The following is an entry in ClinVar:

NM_014319.5(LEMD3):c.1559A>G (p.Gln520Arg)

Gene: LEMD3 (LEM domain containing 3; plus strand). Cytogenetic location: 12q14.3.
Variant type: single nucleotide variant.
Coding change: c.1559A>G on transcript NM_014319.5 (MANE Select); coding-DNA position 1559, A replaced by G.
Protein change: p.Gln520Arg; replaces glutamine 520 with arginine.
Molecular consequence: missense variant.
Genome position (GRCh38, 1-based): chr12:65,210,962, A>G. VCF-style: chr12-65210962-A-G. GRCh37 (hg19) VCF-style: chr12-65604742-A-G.
Other names: c.1556A>G, p.Gln519Arg (NM_001167614.2); short protein forms Q519R, Q520R.
Identifiers: ClinVar variation 3688045 (VCV003688045.2).

ClinVar aggregate classification (germline): Uncertain significance (1 of 4 stars; one submission).

gnomAD v4.1: 3 of 1,586,290 alleles (0.00019%); highest among the groups gnomAD compares: Non-Finnish European, 0.00026%; no homozygotes.

Submission:

Labcorp Genetics (formerly Invitae), Labcorp
Classification: Uncertain significance. Last evaluated: 2024-10-29. Review status: criteria provided, single submitter. Criteria: Invitae Variant Classification Sherloc (09022015). Collection method: clinical testing. Allele origin: germline.
Comment: This sequence change replaces glutamine, which is neutral and polar, with arginine, which is basic and polar, at codon 520 of the LEMD3 protein (p.Gln520Arg). This variant is not present in population databases (gnomAD no frequency). This variant has not been reported in the literature in individuals affected with LEMD3-related conditions. An algorithm developed to predict the effect of missense changes on protein structure and function (PolyPhen-2) suggests that this variant is likely to be tolerated. In summary, the available evidence is currently insufficient to determine the role of this variant in disease. Therefore, it has been classified as a Variant of Uncertain Significance.